The following is an entry in ClinVar:

ClinVar aggregate classification (germline): Uncertain significance (1 of 4 stars; one submission).

gnomAD v4.1: 6 of 1,209,544 alleles (0.0005%); highest among the groups gnomAD compares: Non-Finnish European, 0.00067%; no homozygotes.

Submission:

GeneDx
Classification: Uncertain significance. Last evaluated: 2023-08-02. Review status: criteria provided, single submitter. Criteria: GeneDx Variant Classification Process June 2021. Collection method: clinical testing. Allele origin: germline. Affected: yes.
Comment: Not observed at significant frequency in large population cohorts (gnomAD); In silico analysis supports that this missense variant has a deleterious effect on protein structure/function; Has not been previously published as pathogenic or benign to our knowledge

NM_031407.7(HUWE1):c.2578C>T (p.Arg860Cys)

Gene: HUWE1 (HECT, UBA and WWE domain containing E3 ubiquitin protein ligase 1; minus strand). Cytogenetic location: Xp11.22.
Variant type: single nucleotide variant.
Coding change: c.2578C>T on transcript NM_031407.7 (MANE Select); coding-DNA position 2578, C replaced by T.
Protein change: p.Arg860Cys; replaces arginine 860 with cysteine.
Molecular consequence: missense variant.
Genome position (GRCh38, 1-based): chrX:53,604,753, G>A on the plus strand (C>T on the coding strand, the complement: HUWE1 is on the minus strand). VCF-style: chrX-53604753-G-A. GRCh37 (hg19) VCF-style: chrX-53631714-G-A.
Other names: short protein forms R860C.
Identifiers: ClinVar variation 3361902 (VCV003361902.1).